The following is an entry in ClinVar:

NM_000179.3(MSH6):c.2608A>G (p.Lys870Glu)

Gene: MSH6 (mutS homolog 6; plus strand). Cytogenetic location: 2p16.3.
Variant type: single nucleotide variant.
Coding change: c.2608A>G on transcript NM_000179.3 (MANE Select); coding-DNA position 2608, A replaced by G.
Protein change: p.Lys870Glu; replaces lysine 870 with glutamic acid.
Molecular consequence: missense variant.
Genome position (GRCh38, 1-based): chr2:47,800,591, A>G. VCF-style: chr2-47800591-A-G. GRCh37 (hg19) VCF-style: chr2-48027730-A-G.
Other names: c.2218A>G, p.Lys740Glu (NM_001281492.2); c.1702A>G, p.Lys568Glu (NM_001281493.2, NM_001281494.2); short protein forms K568E, K740E, K870E.
Identifiers: ClinVar variation 1003990 (VCV001003990.12), dbSNP rs1310418564, ClinGen allele CA346754970.

ClinVar aggregate classification (germline): Uncertain significance. Review status: criteria provided, multiple submitters, no conflicts (2 of 4 stars). 2 submissions from 2 submitters: Uncertain significance (2). Last evaluated 2024-11-27.

Conditions:
Hereditary nonpolyposis colorectal neoplasms. Identifiers: MedGen C0009405, MeSH D003123.
Hereditary cancer-predisposing syndrome. Also called: Hereditary neoplastic syndrome; Neoplastic Syndromes, Hereditary; Tumor predisposition; Hereditary Cancer Syndrome. Identifiers: Orphanet 140162, MedGen C0027672, MeSH D009386, MONDO:0015356.

Allele frequency attached by ClinVar (database versions not stated): gnomAD exomes below 0.00001; TOPMed below 0.00001; gnomAD 0.00001.
gnomAD v4.1: 2 of 1,614,046 alleles (0.00012%); highest among the groups gnomAD compares: South Asian, 0.0011%; no homozygotes.

Submissions (2):

Ambry Genetics
Classification: Uncertain significance for Hereditary cancer-predisposing syndrome. Last evaluated: 2024-11-27. Review status: criteria provided, single submitter. Criteria: Ambry Variant Classification Scheme 2023. Collection method: clinical testing. Allele origin: germline.
Comment: The p.K870E variant (also known as c.2608A>G), located in coding exon 4 of the MSH6 gene, results from an A to G substitution at nucleotide position 2608. The lysine at codon 870 is replaced by glutamic acid, an amino acid with similar properties. This variant was reported in individual(s) with suspected Lynch syndrome (Lagerstedt-Robinson K et al. Oncol Rep, 2016 Nov;36:2823-2835). This amino acid position is not well conserved in available vertebrate species. In addition, this alteration is predicted to be tolerated by in silico analysis. Based on the available evidence, the clinical significance of this variant remains unclear.

Labcorp Genetics (formerly Invitae), Labcorp
Classification: Uncertain significance for Hereditary nonpolyposis colorectal neoplasms. Last evaluated: 2021-01-13. Review status: criteria provided, single submitter. Criteria: Invitae Variant Classification Sherloc (09022015). Collection method: clinical testing. Allele origin: germline.
Comment: Algorithms developed to predict the effect of missense changes on protein structure and function are either unavailable or do not agree on the potential impact of this missense change (SIFT: "Tolerated"; PolyPhen-2: "Probably Damaging"; Align-GVGD: "Class C0"). In summary, the available evidence is currently insufficient to determine the role of this variant in disease. Therefore, it has been classified as a Variant of Uncertain Significance. This variant has been observed in individual(s) tested for Lynch syndrome (PMID: 27601186). This sequence change replaces lysine with glutamic acid at codon 870 of the MSH6 protein (p.Lys870Glu). The lysine residue is weakly conserved and there is a small physicochemical difference between lysine and glutamic acid. This variant is not present in population databases (ExAC no frequency).

Literature cited by the submitters: PubMed 27601186 (cited by Ambry Genetics and Labcorp Genetics (formerly Invitae), Labcorp).